The following is an entry in ClinVar:

ClinVar aggregate classification (germline): Pathogenic (1 of 4 stars; one submission).

Submission:

GeneDx
Classification: Pathogenic. Last evaluated: 2018-11-29. Review status: criteria provided, single submitter. Criteria: GeneDx Variant Classification (06012015). Collection method: clinical testing. Allele origin: germline. Affected: yes.
Comment: The c.1023_1024delGCinsTT variant in the WDR26 gene has not been reported previously as a pathogenic variant nor as a benign variant, to our knowledge. The c.1023_1024delGCinsTT variant causes a frameshift starting with codon Arginine 341, changes this amino acid to a Serine residue, and creates a premature Stop codon at position 2 of the new reading frame, denoted p.Arg341SerfsX2. This variant is predicted to cause loss of normal protein function either through protein truncation or nonsense-mediated mRNA decay. The c.1023_1024delGCinsTT variant is not observed in large population cohorts (Lek et al., 2016). We interpret c.1023_1024delGCinsTT as a pathogenic variant.

NM_001379403.1(WDR26):c.1323_1324delinsTT (p.Arg441_Gln442delinsSerTer)

Gene: WDR26 (WD repeat domain 26; minus strand). Cytogenetic location: 1q42.12.
Variant type: Indel.
Coding change: c.1323_1324delinsTT on transcript NM_001379403.1 (MANE Select); coding-DNA positions 1323 to 1324, GC replaced by TT.
Protein change: p.Arg441_Gln442delinsSerTer.
Molecular consequence: nonsense.
Genome position (GRCh38, 1-based): chr1:224,411,561-224,411,562, GC replaced by AA on the plus strand (GC replaced by TT on the coding strand, the reverse complement: WDR26 is on the minus strand). VCF-style: chr1-224411561-GC-AA. GRCh37 (hg19) VCF-style: chr1-224599263-GC-AA.
Other names: c.975_976delinsTT, p.Arg325_Gln326delinsSerTer (NM_001115113.3); c.1023_1024delinsTT, p.Arg341_Gln342delinsSerTer (NM_025160.7); c.1023_1024delGCinsTT (NM_025160.6).
Identifiers: ClinVar variation 817912 (VCV000817912.1), dbSNP rs1572186477, ClinGen allele CA915942044.
Genomic context (GRCh38, chr1:224,411,561, plus strand): 5'-TACAGAACCACACTTCATTACAATGCTCCGTAAGTATCTGCTGCGTATAACATGGGAACT[GC>AA]CTCCTAAAACAAAGAGGTCCACAAATTATTCTTTCAAAACAGATTAGAGTAATAATAATA-3'